The following is an entry in ClinVar:

ClinVar aggregate classification (germline): Benign/Likely benign. Review status: criteria provided, multiple submitters, no conflicts (2 of 4 stars). 3 submissions from 3 submitters: Benign (2); Likely benign (1). Last evaluated 2026-09-01.

Allele frequency attached by ClinVar (database versions not stated): gnomAD exomes 0.00039 and 0.00094; ExAC 0.00131; 1000 Genomes Project 0.00180; 1000 Genomes Project 30x 0.00187; gnomAD 0.00372 and 0.00402; ESP Exome Variant Server 0.00416; TOPMed 0.00434.
gnomAD v4.1: 1,145 of 1,612,938 alleles (0.071%); highest among the groups gnomAD compares: African/African-American, 1.4%; 9 homozygotes.

Submissions (3):

CeGaT Center for Human Genetics Tuebingen
Classification: Likely benign. Last evaluated: 2026-09-01. Review status: criteria provided, single submitter. Criteria: CeGaT Center For Human Genetics Tuebingen Variant Classification Criteria Version 2. Collection method: clinical testing. Allele origin: germline. Affected: yes. Observed: 1 variant allele.
Comment: TRAP1: BP4, BS1

Labcorp Genetics (formerly Invitae), Labcorp
Classification: Benign. Last evaluated: 2026-01-27. Review status: criteria provided, single submitter. Criteria: Invitae Variant Classification Sherloc (09022015). Collection method: clinical testing. Allele origin: germline.

Breakthrough Genomics
Classification: Benign. Review status: criteria provided, single submitter. Criteria: ACMG Guidelines, 2015. Collection method: not provided. Allele origin: germline. Inheritance: Unknown mechanism. Affected: yes.

NM_016292.3(TRAP1):c.1472G>A (p.Arg491Gln)

Genes: DNASE1 (deoxyribonuclease 1; plus strand), TRAP1 (TNF receptor associated protein 1; minus strand). Cytogenetic location: 16p13.3.
Variant type: single nucleotide variant.
Coding change: c.1472G>A on transcript NM_016292.3 (MANE Select); coding-DNA position 1472, G replaced by A.
Protein change: p.Arg491Gln; replaces arginine 491 with glutamine.
Molecular consequence: missense variant.
Genome position (GRCh38, 1-based): chr16:3,664,371, C>T on the plus strand (G>A on the coding strand, the complement: TRAP1 is on the minus strand). VCF-style: chr16-3664371-C-T. GRCh37 (hg19) VCF-style: chr16-3714372-C-T.
Other names: c.1313G>A, p.Arg438Gln (NM_001272049.2); short protein forms R491Q, R438Q.
Identifiers: ClinVar variation 719777 (VCV000719777.11), dbSNP rs139522807, ClinGen allele CA7868069.